The following is an entry in ClinVar:

ClinVar aggregate classification (germline): Uncertain significance. Review status: criteria provided, multiple submitters, no conflicts (2 of 4 stars). 3 submissions from 3 submitters: Uncertain significance (3). Last evaluated 2025-12-23.

Conditions:
Hereditary cancer-predisposing syndrome. Also called: Neoplastic Syndromes, Hereditary; Tumor predisposition; Hereditary Cancer Syndrome; Hereditary neoplastic syndrome. Identifiers: Orphanet 140162, MedGen C0027672, MeSH D009386, MONDO:0015356.

Submissions (3):

Labcorp Genetics (formerly Invitae), Labcorp
Classification: Uncertain significance. Last evaluated: 2025-12-23. Review status: criteria provided, single submitter. Criteria: Invitae Variant Classification Sherloc (09022015). Collection method: clinical testing. Allele origin: germline.
Comment: This sequence change replaces threonine, which is neutral and polar, with leucine, which is neutral and non-polar, at codon 880 of the POLE protein (p.Thr880Leu). Information on the frequency of this variant in the gnomAD database is not available, as this variant may be reported differently in the database. This variant has not been reported in the literature in individuals affected with POLE-related conditions. ClinVar contains an entry for this variant (Variation ID: 473544). An algorithm developed to predict the effect of missense changes on protein structure and function (PolyPhen-2) suggests that this variant is likely to be tolerated. In summary, the available evidence is currently insufficient to determine the role of this variant in disease. Therefore, it has been classified as a Variant of Uncertain Significance.

Ambry Genetics
Classification: Uncertain significance for Hereditary cancer-predisposing syndrome. Last evaluated: 2025-03-12. Review status: criteria provided, single submitter. Criteria: Ambry Variant Classification Scheme 2023. Collection method: clinical testing. Allele origin: germline.
Comment: The c.2638_2639delACinsCT variant, located in coding exon 23 of the POLE gene, results from an in-frame deletion of AC and insertion of CT at nucleotide positions 2638 to 2639. This results in the substitution of the threonine residue for a leucine residue at codon 880. This amino acid position is not well conserved in available vertebrate species. Based on the available evidence, the clinical significance of this variant remains unclear.

GeneDx
Classification: Uncertain significance. Last evaluated: 2023-03-23. Review status: criteria provided, single submitter. Criteria: GeneDx Variant Classification Process June 2021. Collection method: clinical testing. Allele origin: germline. Affected: yes.
Comment: Not observed at significant frequency in large population cohorts (gnomAD); In silico analysis supports a deleterious effect on protein structure/function; Has not been previously published as pathogenic or benign to our knowledge; This variant is associated with the following publications: (PMID: 29056344, 20951805)

NM_006231.4(POLE):c.2638_2639delinsCT (p.Thr880Leu)

Gene: POLE (DNA polymerase epsilon, catalytic subunit; minus strand). Cytogenetic location: 12q24.33.
Variant type: Indel.
Coding change: c.2638_2639delinsCT on transcript NM_006231.4 (MANE Select); coding-DNA positions 2638 to 2639, AC replaced by CT.
Protein change: p.Thr880Leu; replaces threonine 880 with leucine.
Molecular consequence: missense variant.
Genome position (GRCh38, 1-based): chr12:132,664,071-132,664,072, GT replaced by AG on the plus strand (AC replaced by CT on the coding strand, the reverse complement: POLE is on the minus strand). VCF-style: chr12-132664071-GT-AG. GRCh37 (hg19) VCF-style: chr12-133240657-GT-AG.
Other names: c.2638_2639delACinsCT (NM_006231.3, NM_006231.2); c.2638_2639delinsCT (NM_006231.2); short protein forms T880L.
Identifiers: ClinVar variation 473544 (VCV000473544.15), dbSNP rs1555226437, ClinGen allele CA658658195.